The following is an entry in ClinVar:

NC_000012.12:g.121626908A>G

Genes: ORAI1 (ORAI calcium release-activated calcium modulator 1; plus strand), LOC130008987 (ATAC-STARR-seq lymphoblastoid silent region 4981; plus strand). Cytogenetic location: 12q24.31.
Variant type: single nucleotide variant.
Genome position: GRCh38 VCF-style: chr12-121626908-A-G. GRCh37 (hg19) VCF-style: chr12-122064814-A-G.
Other names: c.161A>G, p.Asp54Gly (NM_032790.4); short protein forms D54G.
Identifiers: ClinVar variation 1974522 (VCV001974522.6), dbSNP rs539709433, ClinGen allele CA244608446.
Genomic context (GRCh38, chr12:121,626,908, plus strand): 5'-GACGGGGAGCCCCCGGGGGCCCCGCCCCGCCACCGCCGCCGTCCGCCGTCACCTACCCGG[A>G]CTGGATCGGCCAGAGTTACTCCGAGGTGATGAGCCTCAACGAGCACTCCATGCAGGCGCT-3'

ClinVar aggregate classification (germline): Uncertain significance. Review status: criteria provided, multiple submitters, no conflicts (2 of 4 stars). 2 submissions from 2 submitters: Uncertain significance (2). Last evaluated 2023-12-12.

Conditions:
Combined immunodeficiency due to ORAI1 deficiency. Also called: IMMUNODEFICIENCY 9. Identifiers: Orphanet 169090, Orphanet 317428, MedGen C2748568, MONDO:0013007, OMIM 612782.
Myopathy, tubular aggregate, 2 (TAM2). Identifiers: MedGen C4014557, MONDO:0014383, OMIM 615883.

Allele frequency attached by ClinVar (database versions not stated): gnomAD exomes below 0.00001; ExAC 0.00001; gnomAD 0.00001; 1000 Genomes Project 0.00020; 1000 Genomes Project 30x 0.00031.

Submissions (2):

Labcorp Genetics (formerly Invitae), Labcorp
Classification: Uncertain significance for Myopathy, tubular aggregate, 2; Combined immunodeficiency due to ORAI1 deficiency. Last evaluated: 2023-12-12. Review status: criteria provided, single submitter. Criteria: Invitae Variant Classification Sherloc (09022015). Collection method: clinical testing. Allele origin: germline.
Comment: This sequence change replaces aspartic acid, which is acidic and polar, with glycine, which is neutral and non-polar, at codon 54 of the ORAI1 protein (p.Asp54Gly). This variant is present in population databases (rs539709433, gnomAD 0.003%). This variant has not been reported in the literature in individuals affected with ORAI1-related conditions. ClinVar contains an entry for this variant (Variation ID: 1974522). Experimental studies and prediction algorithms are not available or were not evaluated, and the functional significance of this variant is currently unknown. In summary, the available evidence is currently insufficient to determine the role of this variant in disease. Therefore, it has been classified as a Variant of Uncertain Significance.

Blueprint Genetics
Classification: Uncertain significance. Last evaluated: 2022-02-12. Review status: criteria provided, single submitter. Criteria: ACMG Guidelines, 2015. Collection method: clinical testing. Allele origin: germline.